The following is an entry in ClinVar:

NM_015272.5(RPGRIP1L):c.494A>G (p.Asn165Ser)

Gene: RPGRIP1L (RPGRIP1 like; minus strand). Cytogenetic location: 16q12.2.
Variant type: single nucleotide variant.
Coding change: c.494A>G on transcript NM_015272.5 (MANE Select); coding-DNA position 494, A replaced by G.
Protein change: p.Asn165Ser; replaces asparagine 165 with serine.
Molecular consequence: missense variant.
Genome position (GRCh38, 1-based): chr16:53,692,101, T>C on the plus strand (A>G on the coding strand, the complement: RPGRIP1L is on the minus strand). VCF-style: chr16-53692101-T-C. GRCh37 (hg19) VCF-style: chr16-53726013-T-C.
Other names: c.494A>G, p.Asn165Ser (NM_001127897.4, NM_001308334.3, NM_001330538.2); c.494A>G (NM_015272.4); short protein forms N165S.
Identifiers: ClinVar variation 992045 (VCV000992045.4), dbSNP rs749282106, ClinGen allele CA281375156.

ClinVar aggregate classification (germline): Uncertain significance. Review status: criteria provided, single submitter (1 of 4 stars). 3 submissions from 3 submitters: Uncertain significance (1). 2 of the submissions do not count toward it. Last evaluated 2022-07-23.

Conditions:
Joubert syndrome. Also called: JOUBERT-BOLTSHAUSER SYNDROME; Familial aplasia of the vermis. Identifiers: Orphanet 475, MedGen C5979921, MONDO:0018772.
RPGRIP1L-related disorder. Also called: RPGRIP1L-related disorders; RPGRIP1L-related condition. Identifiers: MedGen CN239416.
Meckel-Gruber syndrome. Also called: Dysencephalia splachnocystica; DYSENCEPHALIA SPLANCHNOCYSTICA; GRUBER SYNDROME. Identifiers: Orphanet 564, MedGen C0265215, MONDO:0018921.

Allele frequency attached by ClinVar (database versions not stated): gnomAD exomes 0.00001; TOPMed 0.00001; gnomAD 0.00002.
gnomAD v4.1: 7 of 1,614,066 alleles (0.00043%); highest among the groups gnomAD compares: Admixed American, 0.01%; no homozygotes.

Submissions (3):

Labcorp Genetics (formerly Invitae), Labcorp
Classification: Uncertain significance for Joubert syndrome; Meckel-Gruber syndrome. Last evaluated: 2022-07-23. Review status: criteria provided, single submitter. Criteria: Invitae Variant Classification Sherloc (09022015). Collection method: clinical testing. Allele origin: germline.
Comment: This sequence change replaces asparagine, which is neutral and polar, with serine, which is neutral and polar, at codon 165 of the RPGRIP1L protein (p.Asn165Ser). This variant is present in population databases (rs749282106, gnomAD 0.009%). This variant has not been reported in the literature in individuals affected with RPGRIP1L-related conditions. ClinVar contains an entry for this variant (Variation ID: 992045). Algorithms developed to predict the effect of missense changes on protein structure and function output the following: SIFT: "Tolerated"; PolyPhen-2: "Benign"; Align-GVGD: "Class C0". The serine amino acid residue is found in multiple mammalian species, which suggests that this missense change does not adversely affect protein function. In summary, the available evidence is currently insufficient to determine the role of this variant in disease. Therefore, it has been classified as a Variant of Uncertain Significance.

PreventionGenetics, part of Exact Sciences
Classification: Uncertain significance for RPGRIP1L-related condition. Last evaluated: 2024-04-10. Review status: no assertion criteria provided. Collection method: clinical testing. Allele origin: germline. Not counted in ClinVar's aggregate classification.
Comment: The RPGRIP1L c.494A>G variant is predicted to result in the amino acid substitution p.Asn165Ser. To our knowledge, this variant has not been reported in the literature. This variant is reported in 0.0087% of alleles in individuals of Latino descent in gnomAD. At this time, the clinical significance of this variant is uncertain due to the absence of conclusive functional and genetic evidence.

Natera, Inc.
Classification: Uncertain significance for Joubert syndrome. Last evaluated: 2020-08-14. Review status: no assertion criteria provided. Collection method: clinical testing. Allele origin: germline. Not counted in ClinVar's aggregate classification.